The following is an entry in ClinVar:

ClinVar aggregate classification (germline): Benign/Likely benign. Review status: criteria provided, multiple submitters, no conflicts (2 of 4 stars). 5 submissions from 5 submitters: Benign (1); Likely benign (4). Last evaluated 2026-06-24.

Conditions:
Hereditary cancer-predisposing syndrome. Also called: Neoplastic Syndromes, Hereditary; Hereditary Cancer Syndrome; Tumor predisposition; Hereditary neoplastic syndrome. Identifiers: Orphanet 140162, MedGen C0027672, MeSH D009386, MONDO:0015356.
Retinoblastoma (RB1). Also called: RETINOBLASTOMA, SOMATIC. Identifiers: Orphanet 790, MedGen C0035335, MeSH D012175, MONDO:0008380, OMIM 180200, HP:0009919. Disease mechanism: loss of function. Inheritance: Both sporadic and heritable forms are tested..

Allele frequency attached by ClinVar (database versions not stated): gnomAD exomes below 0.00001.

Submissions (5):

Myriad Genetics, Inc.
Classification: Benign for Retinoblastoma. Last evaluated: 2026-06-24. Review status: criteria provided, single submitter. Criteria: Myriad Autosomal Dominant, Autosomal Recessive and X-Linked Classification Criteria (2023). Collection method: clinical testing. Allele origin: unknown.
Comment: This variant is considered benign. This variant is a silent/synonymous amino acid change and it is not expected to impact splicing.

Labcorp Genetics (formerly Invitae), Labcorp
Classification: Likely benign for Retinoblastoma. Last evaluated: 2025-02-15. Review status: criteria provided, single submitter. Criteria: Invitae Variant Classification Sherloc (09022015). Collection method: clinical testing. Allele origin: germline.

Ambry Genetics
Classification: Likely benign for Hereditary cancer-predisposing syndrome. Last evaluated: 2021-06-23. Review status: criteria provided, single submitter. Criteria: Ambry Variant Classification Scheme 2023. Collection method: clinical testing. Allele origin: germline.

CeGaT Center for Human Genetics Tuebingen
Classification: Likely benign. Last evaluated: 2020-11-01. Review status: criteria provided, single submitter. Criteria: CeGaT Center For Human Genetics Tuebingen Variant Classification Criteria Version 2. Collection method: clinical testing. Allele origin: germline. Affected: yes. Observed: 1 variant allele.

GeneDx
Classification: Likely benign. Last evaluated: 2017-11-15. Review status: criteria provided, single submitter. Criteria: GeneDx Variant Classification (06012015). Collection method: clinical testing. Allele origin: germline. Affected: yes.
Comment: This variant is considered likely benign or benign based on one or more of the following criteria: it is a conservative change, it occurs at a poorly conserved position in the protein, it is predicted to be benign by multiple in silico algorithms, and/or has population frequency not consistent with disease.

NM_000321.3(RB1):c.1131T>C (p.Thr377=)

Gene: RB1 (RB transcriptional corepressor 1; plus strand). Cytogenetic location: 13q14.2.
Variant type: single nucleotide variant.
Coding change: c.1131T>C on transcript NM_000321.3 (MANE Select); coding-DNA position 1131, T replaced by C.
Protein change: p.Thr377=; no amino-acid change (threonine 377 retained).
Molecular consequence: synonymous variant.
Genome position (GRCh38, 1-based): chr13:48,373,408, T>C. VCF-style: chr13-48373408-T-C. GRCh37 (hg19) VCF-style: chr13-48947544-T-C.
Identifiers: ClinVar variation 513526 (VCV000513526.46), dbSNP rs1414284893, ClinGen allele CA483558919.